The following is an entry in ClinVar:

NM_001242896.3(DEPDC5):c.94C>T (p.His32Tyr)

Gene: DEPDC5 (DEP domain containing 5, GATOR1 subcomplex subunit; plus strand). Cytogenetic location: 22q12.2.
Variant type: single nucleotide variant.
Coding change: c.94C>T on transcript NM_001242896.3 (MANE Select); coding-DNA position 94, C replaced by T.
Protein change: p.His32Tyr; replaces histidine 32 with tyrosine.
Molecular consequence: missense variant. On other transcripts: non-coding transcript variant (5).
Genome position (GRCh38, 1-based): chr22:31,758,581, C>T. VCF-style: chr22-31758581-C-T. GRCh37 (hg19) VCF-style: chr22-32154567-C-T.
Other names: c.94C>T, p.His32Tyr (NM_001007188.4, NM_001136029.4, NM_001242897.2 and 9 more transcripts); short protein forms H32Y.
Identifiers: ClinVar variation 1712538 (VCV001712538.2), dbSNP rs1305007186, ClinGen allele CA411278851.
Genomic context (GRCh38, chr22:31,758,581, plus strand): 5'-TTGAAGTGGCTGAATTGTCTTTCAGATGATGAGCTAGTTGTGAACCCCAAAGTGTTCCCT[C>T]ACATCAAGCTTGGAGACATTGTAGAGATTGCACACCCCAACGATGAATACAGGTGAGTGT-3'
Protein context (NP_001229825.1, residues 22-42): ELVVNPKVFP[His32Tyr]IKLGDIVEIA

ClinVar aggregate classification (germline): Uncertain significance (1 of 4 stars; one submission).

Allele frequency attached by ClinVar (database versions not stated): TOPMed below 0.00001.

Submission:

GeneDx
Classification: Uncertain significance. Last evaluated: 2022-04-27. Review status: criteria provided, single submitter. Criteria: GeneDx Variant Classification Process June 2021. Collection method: clinical testing. Allele origin: germline. Affected: yes.
Comment: Not observed at significant frequency in large population cohorts (gnomAD); In silico analysis supports that this missense variant has a deleterious effect on protein structure/function; Has not been previously published as pathogenic or benign to our knowledge